The following is an entry in ClinVar:

NM_001330078.2(NRXN1):c.3365-109918G>T

Gene: NRXN1 (neurexin 1; minus strand). Cytogenetic location: 2p16.3.
Variant type: single nucleotide variant.
Coding change: c.3365-109918G>T on transcript NM_001330078.2 (MANE Select); 109918 bases into the intron before coding-DNA position 3365, G replaced by T.
Molecular consequence: intron variant. On other transcripts: missense variant (4).
Genome position (GRCh38, 1-based): chr2:50,346,888, C>A on the plus strand (G>T on the coding strand, the complement: NRXN1 is on the minus strand). VCF-style: chr2-50346888-C-A. GRCh37 (hg19) VCF-style: chr2-50574026-C-A.
Other names: c.62G>T, p.Gly21Val (NM_001330091.2, NM_001330092.2, NM_001330097.2 and 1 more transcripts); c.3254-109918G>T (NM_001330096.2, NM_001330087.2); c.3299-109918G>T (NM_001330083.2, NM_001330084.2); c.3284-109918G>T (NM_001330088.2); c.3362-109918G>T (NM_001330093.2); c.3353-109918G>T (NM_001330094.2); c.3314-109918G>T (NM_001330095.2); c.3341-109918G>T (NM_001330082.2, NM_001330077.2); and 3 more; short protein forms G21V.
Identifiers: ClinVar variation 1316794 (VCV001316794.3), dbSNP rs2152997654, ClinGen allele CA346820628.

ClinVar aggregate classification (germline): Uncertain significance (1 of 4 stars; one submission).

Submission:

GeneDx
Classification: Uncertain significance. Last evaluated: 2025-06-10. Review status: criteria provided, single submitter. Criteria: GeneDx Variant Classification Process June 2021. Collection method: clinical testing. Allele origin: germline. Affected: yes.
Comment: Not observed in large population cohorts (gnomAD); Has not been previously published as pathogenic or benign to our knowledge; In silico analysis suggests that this missense variant does not alter protein structure/function; Reported using an alternate transcript of the gene